The following is an entry in ClinVar:

NM_000083.3(CLCN1):c.433+1G>A

Gene: CLCN1 (chloride voltage-gated channel 1; plus strand). Cytogenetic location: 7q34.
Variant type: single nucleotide variant.
Coding change: c.433+1G>A on transcript NM_000083.3 (MANE Select); the canonical splice donor site of the intron after coding-DNA position 433, G replaced by A.
Molecular consequence: splice donor variant.
Genome position (GRCh38, 1-based): chr7:143,320,796, G>A. VCF-style: chr7-143320796-G-A. GRCh37 (hg19) VCF-style: chr7-143017889-G-A.
Identifiers: ClinVar variation 2922468 (VCV002922468.4), dbSNP rs1056856929, ClinGen allele CA168254596.

ClinVar aggregate classification (germline): Likely pathogenic. Review status: criteria provided, multiple submitters, no conflicts (2 of 4 stars). 2 submissions from 2 submitters: Likely pathogenic (2). Last evaluated 2024-04-22.

Conditions:
Congenital myotonia, autosomal dominant form (THD). Also called: THOMSEN DISEASE; Myotonia congenita autosomal dominant. Identifiers: Orphanet 614, MedGen C2936781, MONDO:0008055, OMIM 160800.
Congenital myotonia, autosomal recessive form. Also called: BECKER DISEASE; Becker Generalized Myotonia; myotonia congenita, autosomal recessive. Identifiers: Orphanet 614, MedGen C0751360, MONDO:0009715, OMIM 255700.

Allele frequency attached by ClinVar (database versions not stated): gnomAD exomes below 0.00001.
gnomAD v4.1: 1 of 1,614,008 alleles (0.000062%); highest among the groups gnomAD compares: African/African-American, 0.0013%; no homozygotes.

Submissions (2):

Revvity Omics, Revvity
Classification: Likely pathogenic. Last evaluated: 2024-04-22. Review status: criteria provided, single submitter. Criteria: ACMG Guidelines, 2015. Collection method: clinical testing. Allele origin: germline.

Labcorp Genetics (formerly Invitae), Labcorp
Classification: Likely pathogenic for Congenital myotonia, autosomal recessive form; Congenital myotonia, autosomal dominant form. Last evaluated: 2024-04-03. Review status: criteria provided, single submitter. Criteria: Invitae Variant Classification Sherloc (09022015). Collection method: clinical testing. Allele origin: germline.
Comment: This sequence change affects a donor splice site in intron 3 of the CLCN1 gene. It is expected to disrupt RNA splicing. Variants that disrupt the donor or acceptor splice site typically lead to a loss of protein function (PMID: 16199547), and loss-of-function variants in CLCN1 are known to be pathogenic (PMID: 17932099, 22094069, 23739125). This variant is present in population databases (no rsID available, gnomAD 0.007%). This variant has not been reported in the literature in individuals affected with CLCN1-related conditions. Algorithms developed to predict the effect of sequence changes on RNA splicing suggest that this variant may disrupt the consensus splice site. In summary, the currently available evidence indicates that the variant is pathogenic, but additional data are needed to prove that conclusively. Therefore, this variant has been classified as Likely Pathogenic.

Literature cited by the submitters: PubMed 16199547 (cited by Labcorp Genetics (formerly Invitae), Labcorp); PubMed 17932099 (cited by Labcorp Genetics (formerly Invitae), Labcorp); PubMed 22094069 (cited by Labcorp Genetics (formerly Invitae), Labcorp); PubMed 23739125 (cited by Labcorp Genetics (formerly Invitae), Labcorp).